The following is an entry in ClinVar:

NM_001128931.2(NAF1):c.1081C>T (p.Gln361Ter)

Gene: NAF1 (nuclear assembly factor 1 ribonucleoprotein; minus strand). Cytogenetic location: 4q32.2.
Variant type: single nucleotide variant.
Coding change: c.1081C>T on transcript NM_001128931.2; coding-DNA position 1081, C replaced by T.
Protein change: p.Gln361Ter; replaces glutamine 361 with a stop codon.
Molecular consequence: nonsense.
Genome position (GRCh38, 1-based): chr4:163,127,068, G>A on the plus strand (C>T on the coding strand, the complement: NAF1 is on the minus strand). VCF-style: chr4-163127068-G-A. GRCh37 (hg19) VCF-style: chr4-164048220-G-A.
Other names: short protein forms Q361*.
Identifiers: ClinVar variation 4992335 (VCV004992335.1).

ClinVar aggregate classification (germline): Likely benign (1 of 4 stars; one submission).

Conditions:
NAF1-related disorder. Also called: NAF1-related condition.

gnomAD v4.1: 210 of 1,551,682 alleles (0.014%); highest among the groups gnomAD compares: South Asian, 0.24%; 1 homozygote.

Submission:

PreventionGenetics, part of Exact Sciences
Classification: Likely benign for NAF1-related condition. Last evaluated: 2026-09-23. Review status: criteria provided, single submitter. Criteria: ACMG Guidelines, 2015. Collection method: clinical testing. Allele origin: germline.
Comment: This variant is classified as likely benign based on ACMG/AMP sequence variant interpretation guidelines (Richards et al. 2015 PMID: 25741868, with internal and published modifications).